The following is an entry in ClinVar:

NM_005886.3(KATNB1):c.959G>A (p.Arg320Gln)

Gene: KATNB1 (katanin regulatory subunit B1; plus strand). Cytogenetic location: 16q21.
Variant type: single nucleotide variant.
Coding change: c.959G>A on transcript NM_005886.3 (MANE Select); coding-DNA position 959, G replaced by A.
Protein change: p.Arg320Gln; replaces arginine 320 with glutamine.
Molecular consequence: missense variant.
Genome position (GRCh38, 1-based): chr16:57,753,180, G>A. VCF-style: chr16-57753180-G-A. GRCh37 (hg19) VCF-style: chr16-57787092-G-A.
Other names: short protein forms R320Q.
Identifiers: ClinVar variation 1911353 (VCV001911353.4), dbSNP rs781897577, ClinGen allele CA8080957.

ClinVar aggregate classification (germline): Uncertain significance (1 of 4 stars; one submission).

Allele frequency attached by ClinVar (database versions not stated): TOPMed 0.00001; ExAC 0.00002; gnomAD 0.00002.

Submission:

Labcorp Genetics (formerly Invitae), Labcorp
Classification: Uncertain significance. Last evaluated: 2022-09-19. Review status: criteria provided, single submitter. Criteria: Invitae Variant Classification Sherloc (09022015). Collection method: clinical testing. Allele origin: germline.
Comment: Advanced modeling of protein sequence and biophysical properties (such as structural, functional, and spatial information, amino acid conservation, physicochemical variation, residue mobility, and thermodynamic stability) performed at Invitae indicates that this missense variant is not expected to disrupt KATNB1 protein function. This sequence change replaces arginine, which is basic and polar, with glutamine, which is neutral and polar, at codon 320 of the KATNB1 protein (p.Arg320Gln). This variant is present in population databases (rs781897577, gnomAD 0.01%). This variant has not been reported in the literature in individuals affected with KATNB1-related conditions. In summary, the available evidence is currently insufficient to determine the role of this variant in disease. Therefore, it has been classified as a Variant of Uncertain Significance.